The following is an entry in ClinVar:

ClinVar aggregate classification (germline): Conflicting classifications of pathogenicity. Review status: criteria provided, conflicting classifications (1 of 4 stars). 2 submissions from 2 submitters: Uncertain significance (1); Likely benign (1). Last evaluated 2025-09-10.

Conditions:
Hereditary cancer-predisposing syndrome. Also called: Hereditary neoplastic syndrome; Neoplastic Syndromes, Hereditary; Tumor predisposition; Hereditary Cancer Syndrome. Identifiers: Orphanet 140162, MedGen C0027672, MeSH D009386, MONDO:0015356.
EGFR-related lung cancer (EGFR). Identifiers: MedGen CN130014.

Allele frequency attached by ClinVar (database versions not stated): gnomAD 0.00001; TOPMed 0.00001.
gnomAD v4.1: 3 of 1,614,072 alleles (0.00019%); highest among the groups gnomAD compares: African/African-American, 0.0013%; no homozygotes.

Submissions (2):

Labcorp Genetics (formerly Invitae), Labcorp
Classification: Uncertain significance for EGFR-related lung cancer. Last evaluated: 2025-09-10. Review status: criteria provided, single submitter. Criteria: Invitae Variant Classification Sherloc (09022015). Collection method: clinical testing. Allele origin: germline.
Comment: This sequence change replaces methionine, which is neutral and non-polar, with valine, which is neutral and non-polar, at codon 600 of the EGFR protein (p.Met600Val). This variant is present in population databases (rs746395542, gnomAD 0.003%). This variant has not been reported in the literature in individuals affected with EGFR-related conditions. ClinVar contains an entry for this variant (Variation ID: 836388). Invitae Evidence Modeling of protein sequence and biophysical properties (such as structural, functional, and spatial information, amino acid conservation, physicochemical variation, residue mobility, and thermodynamic stability) indicates that this missense variant is not expected to disrupt EGFR protein function with a negative predictive value of 80%. In summary, the available evidence is currently insufficient to determine the role of this variant in disease. Therefore, it has been classified as a Variant of Uncertain Significance.

Ambry Genetics
Classification: Likely benign for Hereditary cancer-predisposing syndrome. Last evaluated: 2025-02-27. Review status: criteria provided, single submitter. Criteria: Ambry Variant Classification Scheme 2023. Collection method: clinical testing. Allele origin: germline.

NM_005228.5(EGFR):c.1798A>G (p.Met600Val)

Gene: EGFR (epidermal growth factor receptor; plus strand). Cytogenetic location: 7p11.2.
Variant type: single nucleotide variant.
Coding change: c.1798A>G on transcript NM_005228.5 (MANE Select); coding-DNA position 1798, A replaced by G.
Protein change: p.Met600Val; replaces methionine 600 with valine.
Molecular consequence: missense variant.
Genome position (GRCh38, 1-based): chr7:55,165,355, A>G. VCF-style: chr7-55165355-A-G. GRCh37 (hg19) VCF-style: chr7-55233048-A-G.
Other names: c.1663A>G, p.Met555Val (NM_001346897.2, NM_001346899.2); c.1798A>G, p.Met600Val (NM_001346898.2, NM_201282.2, NM_201284.2); c.1639A>G, p.Met547Val (NM_001346900.2); c.997A>G, p.Met333Val (NM_001346941.2); short protein forms M600V, M333V, M547V, M555V.
Identifiers: ClinVar variation 836388 (VCV000836388.10), dbSNP rs746395542, ClinGen allele CA4265697.